The following is an entry in ClinVar:

ClinVar aggregate classification (germline): Uncertain significance (1 of 4 stars; one submission).

Conditions:
Inborn genetic diseases. Identifiers: MedGen C0950123, MeSH D030342.

gnomAD v4.1: 5 of 1,613,904 alleles (0.00031%); highest among the groups gnomAD compares: Non-Finnish European, 0.00034%; no homozygotes.

Submission:

Ambry Genetics
Classification: Uncertain significance for Inborn genetic diseases. Last evaluated: 2024-11-02. Review status: criteria provided, single submitter. Criteria: Ambry Variant Classification Scheme 2023. Collection method: clinical testing. Allele origin: germline.
Comment: The p.L590F variant (also known as c.1768C>T), located in coding exon 15 of the LRRK2 gene, results from a C to T substitution at nucleotide position 1768. The leucine at codon 590 is replaced by phenylalanine, an amino acid with highly similar properties. This amino acid position is conserved. In addition, this alteration is predicted to be tolerated by in silico analysis. Based on the available evidence, the clinical significance of this variant remains unclear.

NM_198578.4(LRRK2):c.1768C>T (p.Leu590Phe)

Gene: LRRK2 (leucine rich repeat kinase 2; plus strand). Cytogenetic location: 12q12.
Variant type: single nucleotide variant.
Coding change: c.1768C>T on transcript NM_198578.4 (MANE Select); coding-DNA position 1768, C replaced by T.
Protein change: p.Leu590Phe; replaces leucine 590 with phenylalanine.
Molecular consequence: missense variant.
Genome position (GRCh38, 1-based): chr12:40,274,694, C>T. VCF-style: chr12-40274694-C-T. GRCh37 (hg19) VCF-style: chr12-40668496-C-T.
Other names: short protein forms L590F.
Identifiers: ClinVar variation 3540766 (VCV003540766.1).